The following is an entry in ClinVar:

ClinVar aggregate classification (germline): Uncertain significance (1 of 4 stars; one submission).

Allele frequency attached by ClinVar (database versions not stated): TOPMed 0.00001; gnomAD exomes 0.00002; ExAC 0.00003.
gnomAD v4.1: 24 of 1,614,158 alleles (0.0015%); highest among the groups gnomAD compares: South Asian, 0.0077%; no homozygotes.

Submission:

Labcorp Genetics (formerly Invitae), Labcorp
Classification: Uncertain significance. Last evaluated: 2023-06-18. Review status: criteria provided, single submitter. Criteria: Invitae Variant Classification Sherloc (09022015). Collection method: clinical testing. Allele origin: germline.
Comment: Algorithms developed to predict the effect of missense changes on protein structure and function output the following: SIFT: "Not Available"; PolyPhen-2: "Benign"; Align-GVGD: "Not Available". The cysteine amino acid residue is found in multiple mammalian species, which suggests that this missense change does not adversely affect protein function. This variant has not been reported in the literature in individuals affected with TET2-related conditions. This variant is present in population databases (rs560827535, gnomAD 0.01%). This sequence change replaces arginine, which is basic and polar, with cysteine, which is neutral and slightly polar, at codon 581 of the TET2 protein (p.Arg581Cys). In summary, the available evidence is currently insufficient to determine the role of this variant in disease. Therefore, it has been classified as a Variant of Uncertain Significance.

NM_001127208.3(TET2):c.1741C>T (p.Arg581Cys)

Genes: TET2 (tet methylcytosine dioxygenase 2; plus strand), TET2-AS1 (TET2 antisense RNA 1; minus strand). Cytogenetic location: 4q24.
Variant type: single nucleotide variant.
Coding change: c.1741C>T on transcript NM_001127208.3 (MANE Select); coding-DNA position 1741, C replaced by T.
Protein change: p.Arg581Cys; replaces arginine 581 with cysteine.
Molecular consequence: missense variant.
Genome position (GRCh38, 1-based): chr4:105,235,683, C>T. VCF-style: chr4-105235683-C-T. GRCh37 (hg19) VCF-style: chr4-106156840-C-T.
Other names: c.1741C>T, p.Arg581Cys (NM_017628.4); short protein forms R581C.
Identifiers: ClinVar variation 2899053 (VCV002899053.3), dbSNP rs560827535, ClinGen allele CA3031750.
Genomic context (GRCh38, chr4:105,235,683, plus strand): 5'-AAACCAGGATGGATTGAATTGAAGGCCCCTCGTTTTCACCAAGCGGAATCCCATCTAAAA[C>T]GTAATGAGGCATCACTGCCATCAATTCTTCAGTATCAACCCAATCTCTCCAATCAAATGA-3'
Protein context (NP_001120680.1, residues 571-591): RFHQAESHLK[Arg581Cys]NEASLPSILQ